The following is an entry in ClinVar:

ClinVar aggregate classification (germline): Likely benign (1 of 4 stars; one submission).

Submission:

Women's Health and Genetics/Laboratory Corporation of America, LabCorp
Classification: Likely benign. Last evaluated: 2024-09-24. Review status: criteria provided, single submitter. Criteria: LabCorp Variant Classification Summary - May 2015. Collection method: clinical testing. Allele origin: germline.
Comment: Variant summary: POLG2 c.6C>A alters a non-conserved nucleotide resulting in a synonymous change. Consensus agreement among computation tools predict no significant impact on normal splicing. However, these predictions have yet to be confirmed by functional studies. The variant was absent in 243548 control chromosomes. The available data on variant occurrences in the general population are insufficient to allow any conclusion about variant significance. To our knowledge, no occurrence of c.6C>A in individuals affected with POLG2-Related Disorder and no experimental evidence demonstrating its impact on protein function have been reported. ClinVar contains an entry for this variant (Variation ID: 774725). Based on the evidence outlined above, the variant was classified as likely benign.

NM_007215.4(POLG2):c.6C>A (p.Arg2=)

Genes: MILR1 (mast cell immunoglobulin like receptor 1; plus strand), POLG2 (DNA polymerase gamma 2, accessory subunit; minus strand). Cytogenetic location: 17q23.3.
Variant type: single nucleotide variant.
Coding change: c.6C>A on transcript NM_007215.4 (MANE Select); coding-DNA position 6, C replaced by A.
Protein change: p.Arg2=; no amino-acid change (arginine 2 retained).
Molecular consequence: synonymous variant.
Genome position (GRCh38, 1-based): chr17:64,496,963, G>T on the plus strand (C>A on the coding strand, the complement: POLG2 is on the minus strand). VCF-style: chr17-64496963-G-T. GRCh37 (hg19) VCF-style: chr17-62493081-G-T.
Identifiers: ClinVar variation 3375269 (VCV003375269.1).